The following is an entry in ClinVar:

NM_001304438.2(TMEM132E):c.3114G>A (p.Glu1038=)

Gene: TMEM132E (transmembrane protein 132E; plus strand). Cytogenetic location: 17q12.
Variant type: single nucleotide variant.
Coding change: c.3114G>A on transcript NM_001304438.2 (MANE Select); coding-DNA position 3114, G replaced by A.
Protein change: p.Glu1038=; no amino-acid change (glutamic acid 1038 retained).
Molecular consequence: synonymous variant.
Genome position (GRCh38, 1-based): chr17:34,638,121, G>A. VCF-style: chr17-34638121-G-A. GRCh37 (hg19) VCF-style: chr17-32965140-G-A.
Identifiers: ClinVar variation 3356668 (VCV003356668.2).

ClinVar aggregate classification (germline): Likely benign. Review status: criteria provided, single submitter (1 of 4 stars). 2 submissions from 2 submitters: Likely benign (1). 1 of the submissions does not count toward it. Last evaluated 2024-10-16.

Conditions:
TMEM132E-related disorder. Also called: TMEM132E-related condition.

gnomAD v4.1: 9 of 1,606,218 alleles (0.00056%); highest among the groups gnomAD compares: Admixed American, 0.0068%; no homozygotes.

Submissions (2):

Blueprint Genetics
Classification: Likely benign. Last evaluated: 2024-10-16. Review status: criteria provided, single submitter. Criteria: ACMG Guidelines, 2015. Collection method: clinical testing. Allele origin: germline.

PreventionGenetics, part of Exact Sciences
Classification: Likely benign for TMEM132E-related condition. Last evaluated: 2020-01-06. Review status: no assertion criteria provided. Collection method: clinical testing. Allele origin: germline. Not counted in ClinVar's aggregate classification.
Comment: This variant is classified as likely benign based on ACMG/AMP sequence variant interpretation guidelines (Richards et al. 2015 PMID: 25741868, with internal and published modifications).